The following is an entry in ClinVar:

ClinVar aggregate classification (germline): Benign/Likely benign. Review status: criteria provided, multiple submitters, no conflicts (2 of 4 stars). 4 submissions from 4 submitters: Benign (3); Likely benign (1). Last evaluated 2026-01-28.

Conditions:
Anemia, congenital dyserythropoietic, type 1a (CDAN1A). Also called: CDAN1-Related Congenital Dyserythropoietic Anemia; DYSERYTHROPOIETIC ANEMIA, CONGENITAL, TYPE Ia. Identifiers: MedGen C5574667, MONDO:0009135, OMIM 224120.

Allele frequency attached by ClinVar (database versions not stated): gnomAD exomes 0.00050 and 0.00119; ExAC 0.00153; gnomAD 0.00459 and 0.00486; TOPMed 0.00518; ESP Exome Variant Server 0.00523; 1000 Genomes Project 0.00619; 1000 Genomes Project 30x 0.00687.
gnomAD v4.1: 1,445 of 1,614,216 alleles (0.09%); highest among the groups gnomAD compares: African/African-American, 1.8%; 14 homozygotes.

Submissions (4):

Labcorp Genetics (formerly Invitae), Labcorp
Classification: Benign. Last evaluated: 2026-01-28. Review status: criteria provided, single submitter. Criteria: Invitae Variant Classification Sherloc (09022015). Collection method: clinical testing. Allele origin: germline.

ARUP Laboratories, Molecular Genetics and Genomics, ARUP Laboratories
Classification: Benign for Anemia, congenital dyserythropoietic, type 1a. Last evaluated: 2025-07-25. Review status: criteria provided, single submitter. Criteria: ARUP Molecular Germline Variant Investigation Process 2024. Collection method: clinical testing. Allele origin: germline.

Mayo Clinic Laboratories, Mayo Clinic
Classification: Likely benign. Last evaluated: 2025-03-18. Review status: criteria provided, single submitter. Criteria: ACMG Guidelines, 2015. Collection method: clinical testing. Allele origin: germline. Observed: 9 variant alleles.
Comment: BS1, BP4, BP7

Breakthrough Genomics
Classification: Benign. Review status: criteria provided, single submitter. Criteria: ACMG Guidelines, 2015. Collection method: not provided. Allele origin: germline. Inheritance: Autosomal recessive inheritance. Affected: yes.

NM_138477.4(CDAN1):c.906G>A (p.Leu302=)

Gene: CDAN1 (codanin 1; minus strand). Cytogenetic location: 15q15.2.
Variant type: single nucleotide variant.
Coding change: c.906G>A on transcript NM_138477.4 (MANE Select); coding-DNA position 906, G replaced by A.
Protein change: p.Leu302=; no amino-acid change (leucine 302 retained).
Molecular consequence: synonymous variant.
Genome position (GRCh38, 1-based): chr15:42,735,547, C>T on the plus strand (G>A on the coding strand, the complement: CDAN1 is on the minus strand). VCF-style: chr15-42735547-C-T. GRCh37 (hg19) VCF-style: chr15-43027745-C-T.
Other names: p.Leu302=.
Identifiers: ClinVar variation 776881 (VCV000776881.19), dbSNP rs61745955, ClinGen allele CA7516244.
Genomic context (GRCh38, chr15:42,735,547, plus strand): 5'-CCGCTCCCTCCGCTCTCACTCACCAGCAATGCACGAGGAGTAAACAAGGGCTACAAGCTC[C>T]AGGCGCTGGCGGGAAGACACTCTGGCAGGGTCTGCAGGTTCATCTGTGAGGCTTCCTGTC-3'
Protein context (NP_612486.2, residues 292-312): DPARVSSRQR[Leu302=]ELVALVYSSC